The following is an entry in ClinVar:

NM_001040716.2(PC):c.2545G>A (p.Asp849Asn)

Gene: PC (pyruvate carboxylase; minus strand). Cytogenetic location: 11q13.2.
Variant type: single nucleotide variant.
Coding change: c.2545G>A on transcript NM_001040716.2 (MANE Select); coding-DNA position 2545, G replaced by A.
Protein change: p.Asp849Asn; replaces aspartic acid 849 with asparagine.
Molecular consequence: missense variant.
Genome position (GRCh38, 1-based): chr11:66,850,393, C>T on the plus strand (G>A on the coding strand, the complement: PC is on the minus strand). VCF-style: chr11-66850393-C-T. GRCh37 (hg19) VCF-style: chr11-66617864-C-T.
Other names: c.2545G>A, p.Asp849Asn (NM_000920.4, NM_022172.3); short protein forms D849N.
Identifiers: ClinVar variation 3391478 (VCV003391478.1).

ClinVar aggregate classification (germline): Uncertain significance (1 of 4 stars; one submission).

gnomAD v4.1: 3 of 1,614,022 alleles (0.00019%); highest among the groups gnomAD compares: Non-Finnish European, 0.00025%; no homozygotes.

Submission:

GeneDx
Classification: Uncertain significance. Last evaluated: 2024-06-23. Review status: criteria provided, single submitter. Criteria: GeneDx Variant Classification Process June 2021. Collection method: clinical testing. Allele origin: germline. Affected: yes.
Comment: Not observed at significant frequency in large population cohorts (gnomAD); In silico analysis indicates that this missense variant does not alter protein structure/function; Has not been previously published as pathogenic or benign to our knowledge